The following is an entry in ClinVar:

NM_004370.6(COL12A1):c.7832T>C (p.Ile2611Thr)

Gene: COL12A1 (collagen type XII alpha 1 chain; minus strand). Cytogenetic location: 6q13.
Variant type: single nucleotide variant.
Coding change: c.7832T>C on transcript NM_004370.6 (MANE Select); coding-DNA position 7832, T replaced by C.
Protein change: p.Ile2611Thr; replaces isoleucine 2611 with threonine.
Molecular consequence: missense variant.
Genome position (GRCh38, 1-based): chr6:75,113,610, A>G on the plus strand (T>C on the coding strand, the complement: COL12A1 is on the minus strand). VCF-style: chr6-75113610-A-G. GRCh37 (hg19) VCF-style: chr6-75823326-A-G.
Other names: c.4340T>C, p.Ile1447Thr (NM_080645.3); c.7832T>C (NM_004370.5); short protein forms I2611T, I1447T.
Identifiers: ClinVar variation 1369579 (VCV001369579.12), dbSNP rs767580803, ClinGen allele CA3892454.

ClinVar aggregate classification (germline): Uncertain significance. Review status: criteria provided, multiple submitters, no conflicts (2 of 4 stars). 3 submissions from 3 submitters: Uncertain significance (3). Last evaluated 2025-11-11.

Conditions:
Ullrich congenital muscular dystrophy 2 (UCMD2). Identifiers: Orphanet 75840, MedGen C4225314, MONDO:0014654, OMIM 616470.
Bethlem myopathy 2 (BTHLM2). Identifiers: Orphanet 536516, Orphanet 610, MedGen C4225313, MONDO:0034022, OMIM 616471.

Allele frequency attached by ClinVar (database versions not stated): gnomAD exomes below 0.00001 and 0.00001; TOPMed below 0.00001; gnomAD 0.00001; ExAC 0.00002.
gnomAD v4.1: 6 of 1,605,516 alleles (0.00037%); highest among the groups gnomAD compares: Non-Finnish European, 0.00051%; no homozygotes.

Submissions (3):

Women's Health and Genetics/Laboratory Corporation of America, LabCorp
Classification: Uncertain significance. Last evaluated: 2025-11-11. Review status: criteria provided, single submitter. Criteria: LabCorp Variant Classification Summary - May 2015. Collection method: clinical testing. Allele origin: germline.
Comment: Variant summary: COL12A1 c.7832T>C (p.Ile2611Thr) results in a non-conservative amino acid change in the encoded protein sequence. Algorithms developed to predict the effect of missense changes on protein structure and function are either unavailable or do not agree on the potential impact of this missense change. The variant allele was found at a frequency of 4e-06 in 247942 control chromosomes. The available data on variant occurrences in the general population are insufficient to allow any conclusion about variant significance. To our knowledge, no occurrence of c.7832T>C in individuals affected with COL12A1-related conditions and no experimental evidence demonstrating its impact on protein function have been reported. ClinVar contains an entry for this variant (Variation ID: 1369579). Based on the evidence outlined above, the variant was classified as uncertain significance.

Labcorp Genetics (formerly Invitae), Labcorp
Classification: Uncertain significance for Bethlem myopathy 2; Ullrich congenital muscular dystrophy 2. Last evaluated: 2025-09-10. Review status: criteria provided, single submitter. Criteria: Invitae Variant Classification Sherloc (09022015). Collection method: clinical testing. Allele origin: germline.
Comment: This sequence change replaces isoleucine, which is neutral and non-polar, with threonine, which is neutral and polar, at codon 2611 of the COL12A1 protein (p.Ile2611Thr). This variant is present in population databases (rs767580803, gnomAD 0.0009%). This variant has not been reported in the literature in individuals affected with COL12A1-related conditions. ClinVar contains an entry for this variant (Variation ID: 1369579). Invitae Evidence Modeling of protein sequence and biophysical properties (such as structural, functional, and spatial information, amino acid conservation, physicochemical variation, residue mobility, and thermodynamic stability) indicates that this missense variant is not expected to disrupt COL12A1 protein function with a negative predictive value of 80%. In summary, the available evidence is currently insufficient to determine the role of this variant in disease. Therefore, it has been classified as a Variant of Uncertain Significance.

GeneDx
Classification: Uncertain significance. Last evaluated: 2025-07-08. Review status: criteria provided, single submitter. Criteria: GeneDx Variant Classification Process June 2021. Collection method: clinical testing. Allele origin: germline. Affected: yes.
Comment: Not observed at significant frequency in large population cohorts (gnomAD); In silico analysis indicates that this missense variant does not alter protein structure/function; Has not been previously published as pathogenic or benign to our knowledge